The following is an entry in ClinVar:

ClinVar aggregate classification (germline): Likely benign. Review status: criteria provided, multiple submitters, no conflicts (2 of 4 stars). 3 submissions from 3 submitters: Likely benign (2). 1 of the submissions does not count toward it. Last evaluated 2024-09-10.

Conditions:
NBEA-related disorder. Also called: NBEA-related condition.
Inborn genetic diseases. Identifiers: MedGen C0950123, MeSH D030342.

Allele frequency attached by ClinVar (database versions not stated): ExAC 0.00012; gnomAD exomes 0.00012; ESP Exome Variant Server 0.00016.
gnomAD v4.1: 191 of 1,613,788 alleles (0.012%); highest among the groups gnomAD compares: Middle Eastern, 0.016%; no homozygotes.

Submissions (3):

Blueprint Genetics
Classification: Likely benign. Last evaluated: 2024-09-10. Review status: criteria provided, single submitter. Criteria: ACMG Guidelines, 2015. Collection method: clinical testing. Allele origin: germline.

Ambry Genetics
Classification: Likely benign for Inborn genetic diseases. Last evaluated: 2023-03-20. Review status: criteria provided, single submitter. Criteria: Ambry Variant Classification Scheme 2023. Collection method: clinical testing. Allele origin: germline.

PreventionGenetics, part of Exact Sciences
Classification: Likely benign for NBEA-related condition. Last evaluated: 2024-03-29. Review status: no assertion criteria provided. Collection method: clinical testing. Allele origin: germline. Not counted in ClinVar's aggregate classification.
Comment: This variant is classified as likely benign based on ACMG/AMP sequence variant interpretation guidelines (Richards et al. 2015 PMID: 25741868, with internal and published modifications).

NM_001385012.1(NBEA):c.8543G>A (p.Arg2848His)

Gene: NBEA (neurobeachin; plus strand). Cytogenetic location: 13q13.3.
Variant type: single nucleotide variant.
Coding change: c.8543G>A on transcript NM_001385012.1 (MANE Select); coding-DNA position 8543, G replaced by A.
Protein change: p.Arg2848His; replaces arginine 2848 with histidine.
Molecular consequence: missense variant.
Genome position (GRCh38, 1-based): chr13:35,667,452, G>A. VCF-style: chr13-35667452-G-A. GRCh37 (hg19) VCF-style: chr13-36241589-G-A.
Other names: c.1859G>A, p.Arg620His (NM_001204197.3); c.8534G>A, p.Arg2845His (NM_001379245.1); c.8480G>A, p.Arg2827His (NM_015678.5); short protein forms R2845H, R2827H, R620H, R2848H.
Identifiers: ClinVar variation 2569224 (VCV002569224.4), dbSNP rs376983676, ClinGen allele CA6947999.
Genomic context (GRCh38, chr13:35,667,452, plus strand): 5'-ACACCATCACTGGAGATTTGCTGAGAGCCCTTGAAGGACCAGAAAACTGCTTATTCCCAC[G>A]CTTGATATCTGTCTCCAGCGAAGGCCACTGTATCATATACTATGAACGAGGGCGATTCAG-3'
Protein context (NP_001371941.1, residues 2838-2858): LEGPENCLFP[Arg2848His]LISVSSEGHC